The following is an entry in ClinVar:

NM_002474.3(MYH11):c.2520+46C>G

Gene: MYH11 (myosin heavy chain 11; minus strand). Cytogenetic location: 16p13.11.
Variant type: single nucleotide variant.
Coding change: c.2520+46C>G on transcript NM_002474.3 (MANE Select); 46 bases into the intron after coding-DNA position 2520, C replaced by G.
Molecular consequence: intron variant.
Genome position (GRCh38, 1-based): chr16:15,745,083, G>C on the plus strand (C>G on the coding strand, the complement: MYH11 is on the minus strand). VCF-style: chr16-15745083-G-C. GRCh37 (hg19) VCF-style: chr16-15838940-G-C.
Other names: c.2520+46C>G (NM_022844.3); c.2541+46C>G (NM_001040114.2, NM_001040113.2).
Identifiers: ClinVar variation 670997 (VCV000670997.4), dbSNP rs2384934, ClinGen allele CA7922248.
Genomic context (GRCh38, chr16:15,745,083, plus strand): 5'-CATTCCACACCCACTTGCGACCACCTCCTGTCCCAAATGTGAAGGCTCCAGAGTGAAGAA[G>C]CAGGGCTGGGGGCCCCTGGGAAGGGGGCTGGGGCAGAGCACTCACTTTGGTGAAAAGCCT-3'

ClinVar aggregate classification (germline): Benign. Review status: criteria provided, multiple submitters, no conflicts (2 of 4 stars). 5 submissions from 3 submitters: Benign (5). Last evaluated 2021-09-05.

Conditions:
Megacystis-microcolon-intestinal hypoperistalsis syndrome 2. Identifiers: MedGen C5543476, MONDO:0025708, OMIM 619351.
Visceral myopathy 2. Identifiers: MedGen C5543466, MONDO:0859157, OMIM 619350.
Aortic aneurysm, familial thoracic 4 (AAT4). Also called: AORTIC ANEURYSM/AORTIC DISSECTION AND PATENT DUCTUS ARTERIOSUS. Identifiers: MedGen C1851504, MONDO:0007568, OMIM 132900.

Allele frequency attached by ClinVar (database versions not stated): 1000 Genomes Project 30x 0.87414; gnomAD exomes 0.68711 and 0.74269; ExAC 0.74145; ESP Exome Variant Server 0.74300; gnomAD 0.75311 and 0.75899; TOPMed 0.77045; 1000 Genomes Project 0.87181.
gnomAD v4.1: 1,003,922 of 1,444,234 alleles (70%); highest among the groups gnomAD compares: East Asian, 100%; 356,782 homozygotes.

Submissions (5):

Genome-Nilou Lab
Classification: Benign for Aortic aneurysm, familial thoracic 4. Last evaluated: 2021-09-05. Review status: criteria provided, single submitter. Criteria: ACMG Guidelines, 2015. Collection method: clinical testing. Allele origin: germline. Affected: no.

Genome-Nilou Lab
Classification: Benign for Megacystis-microcolon-intestinal hypoperistalsis syndrome 2. Last evaluated: 2021-09-05. Review status: criteria provided, single submitter. Criteria: ACMG Guidelines, 2015. Collection method: clinical testing. Allele origin: germline. Affected: no.

Genome-Nilou Lab
Classification: Benign for Visceral myopathy 2. Last evaluated: 2021-09-05. Review status: criteria provided, single submitter. Criteria: ACMG Guidelines, 2015. Collection method: clinical testing. Allele origin: germline. Affected: no.

GeneDx
Classification: Benign. Last evaluated: 2018-06-14. Review status: criteria provided, single submitter. Criteria: GeneDx Variant Classification (06012015). Collection method: clinical testing. Allele origin: germline. Affected: yes.
Comment: This variant is considered likely benign or benign based on one or more of the following criteria: it is a conservative change, it occurs at a poorly conserved position in the protein, it is predicted to be benign by multiple in silico algorithms, and/or has population frequency not consistent with disease.

Breakthrough Genomics
Classification: Benign. Review status: criteria provided, single submitter. Criteria: ACMG Guidelines, 2015. Collection method: not provided. Allele origin: germline. Inheritance: Autosomal recessive inheritance. Affected: yes.